The following is an entry in ClinVar:

NM_000256.3(MYBPC3):c.773-13C>T

Gene: MYBPC3 (myosin binding protein C3; minus strand). Cytogenetic location: 11p11.2.
Variant type: single nucleotide variant.
Coding change: c.773-13C>T on transcript NM_000256.3 (MANE Select); 13 bases into the intron before coding-DNA position 773, C replaced by T.
Molecular consequence: intron variant.
Genome position (GRCh38, 1-based): chr11:47,347,918, G>A on the plus strand (C>T on the coding strand, the complement: MYBPC3 is on the minus strand). VCF-style: chr11-47347918-G-A. GRCh37 (hg19) VCF-style: chr11-47369469-G-A.
Identifiers: ClinVar variation 3070583 (VCV003070583.2), dbSNP rs1394988381, ClinGen allele CA1969340661.

ClinVar aggregate classification (germline): Likely benign. Review status: criteria provided, multiple submitters, no conflicts (2 of 4 stars). 2 submissions from 2 submitters: Likely benign (2). Last evaluated 2023-04-28.

Conditions:
Hypertrophic cardiomyopathy. Also called: HYPERTROPHIC MYOCARDIOPATHY. Identifiers: Orphanet 217569, MedGen C0007194, MeSH D002312, MONDO:0005045, HP:0001639.
Cardiomyopathy (CMYO). Also called: Cardiomyopathies. Identifiers: Orphanet 167848, MedGen C0878544, MONDO:0004994, HP:0001638. Inheritance: Various modes of inheritance.

gnomAD v4.1: 1 of 1,571,762 alleles (0.000064%); highest among the groups gnomAD compares: East Asian, 0.0024%; no homozygotes.

Submissions (2):

All of Us Research Program, National Institutes of Health
Classification: Likely benign for Hypertrophic cardiomyopathy. Last evaluated: 2023-04-28. Review status: criteria provided, single submitter. Criteria: ACMG Guidelines, 2015. Collection method: clinical testing. Allele origin: germline. Inheritance: Autosomal dominant inheritance. Observed: 1 variant allele, 1 heterozygote.
Comment: This study involves interpretation of variants in research participants for the purpose of population health screening. Participant phenotype was not available at the time of variant classification. Additional details can be found in publication PMID: 35346344, PMCID: PMC8962531

Color Diagnostics, LLC DBA Color Health
Classification: Likely benign for Cardiomyopathy. Last evaluated: 2022-11-29. Review status: criteria provided, single submitter. Criteria: ACMG Guidelines, 2015. Collection method: clinical testing. Allele origin: germline.